The following is an entry in ClinVar:

ClinVar aggregate classification (germline): Uncertain significance. Review status: reviewed by expert panel (3 of 4 stars). 3 submissions from 3 submitters: Uncertain significance (1). 2 of the submissions do not count toward it. Last evaluated 2021-12-09.

Conditions:
Primary dilated cardiomyopathy (DCM). Also called: Dilated Cardiomyopathy. Identifiers: Orphanet 217604, MedGen C0007193, MeSH D002311, MONDO:0005021, HP:0001644. Inheritance: Various modes of inheritance.
Cardiovascular phenotype. Identifiers: MedGen CN230736.

Submissions (3):

ClinGen Cardiomyopathy Variant Curation Expert Panel
Classification: Uncertain significance for Primary dilated cardiomyopathy. Last evaluated: 2021-12-09. Review status: reviewed by expert panel. Criteria: ClinGen CMP ACMG Specifications v1. Collection method: curation. Allele origin: germline. Inheritance: Autosomal dominant inheritance.
Comment: The NM_000257.4(MYH7):c.3020T>C (p.Leu1007Pro) variant has been identified in 1 individual with DCM and 1 individual with a complex cardiac presentation that included DCM (Ambry pers. comm., GeneDx pers. comm.) and segregated with non-compaction cardiomyopathy in 1 affected child (Ambry pers. comm); however, these data are currently insufficient to apply PS4 or establish co-segregation with disease and apply PP1. This variant was absent from large population studies (PM2;, v2.1.1). Computational prediction tools and conservation analysis suggest that this variant may impact the protein (PP3). In summary, due to insufficient evidence, this variant is classified as uncertain significance for dilated cardiomyopathy in an autosomal dominant manner. MYH7-specific ACMG/AMP criteria applied (Kelly 2018 PMID:29300372): PM2, PP3.

Ambry Genetics
Classification: Uncertain significance for Cardiovascular phenotype. Last evaluated: 2020-09-09. Review status: criteria provided, single submitter. Criteria: Ambry Variant Classification Scheme 2023. Collection method: clinical testing. Allele origin: germline. Not counted in ClinVar's aggregate classification.
Comment: The p.L1007P variant (also known as c.3020T>C), located in coding exon 22 of the MYH7 gene, results from a T to C substitution at nucleotide position 3020. The leucine at codon 1007 is replaced by proline, an amino acid with some similar properties. This amino acid position is highly conserved in available vertebrate species. In addition, this alteration is predicted to be deleterious by in silico analysis. Since supporting evidence is limited at this time, the clinical significance of this alteration remains unclear.

GeneDx
Classification: Likely pathogenic. Last evaluated: 2012-11-06. Review status: criteria provided, single submitter. Criteria: GeneDx Variant Classification (06012015). Collection method: clinical testing. Allele origin: germline. Affected: yes. Not counted in ClinVar's aggregate classification.
Comment: p.Leu1007Pro (CTG>CCG):c.3020 T>C in exon 24 of the MYH7 gene (NM_000257.2). The Leu1007Pro variant in the MYH7 gene has not been reported as a disease-causing mutation or as a benign polymorphism to our knowledge. Leu1007Pro results in a semi-conservative amino acid substitution of one non-polar residue for another at a position that is conserved across species. In silico analysis predicts Leu1007Pro is probably damaging to the protein structure/function. Furthermore, the NHLBI ESP Exome Variant Server reports Leu1007Pro was not observed in over 6,000 samples from individuals of European and African American backgrounds, indicating it is not a common benign variant in these populations. In summary, while Leu1007Pro is a good candidate for a disease-causing mutation, with the clinical and molecular information available at this time we cannot unequivocally determine the clinical significance of this variant. The variant is found in DCM panel(s).

NM_000257.4(MYH7):c.3020T>C (p.Leu1007Pro)

Gene: MYH7 (myosin heavy chain 7; minus strand). Cytogenetic location: 14q11.2.
Variant type: single nucleotide variant.
Coding change: c.3020T>C on transcript NM_000257.4 (MANE Select); coding-DNA position 3020, T replaced by C.
Protein change: p.Leu1007Pro; replaces leucine 1007 with proline.
Molecular consequence: missense variant.
Genome position (GRCh38, 1-based): chr14:23,423,626, A>G on the plus strand (T>C on the coding strand, the complement: MYH7 is on the minus strand). VCF-style: chr14-23423626-A-G. GRCh37 (hg19) VCF-style: chr14-23892835-A-G.
Other names: p.L1007P:CTG>CCG; NM_000257.4(MYH7):c.3020T>C; p.Leu1007Pro; c.3020T>C (LRG_384t1); short protein forms L1007P.
Identifiers: ClinVar variation 181210 (VCV000181210.7), dbSNP rs730880763, ClinGen allele CA013309.